The following is an entry in ClinVar:

ClinVar aggregate classification (germline): Uncertain significance. Review status: criteria provided, multiple submitters, no conflicts (2 of 4 stars). 2 submissions from 2 submitters: Uncertain significance (2). Last evaluated 2025-05-14.

Conditions:
Inborn genetic diseases. Identifiers: MedGen C0950123, MeSH D030342.

Allele frequency attached by ClinVar (database versions not stated): gnomAD exomes below 0.00001; TOPMed below 0.00001; gnomAD 0.00001.
gnomAD v4.1: 8 of 1,614,158 alleles (0.0005%); highest among the groups gnomAD compares: Non-Finnish European, 0.00068%; no homozygotes.

Submissions (2):

Labcorp Genetics (formerly Invitae), Labcorp
Classification: Uncertain significance. Last evaluated: 2025-05-14. Review status: criteria provided, single submitter. Criteria: Invitae Variant Classification Sherloc (09022015). Collection method: clinical testing. Allele origin: germline.
Comment: This sequence change replaces serine, which is neutral and polar, with asparagine, which is neutral and polar, at codon 828 of the REST protein (p.Ser828Asn). This variant is present in population databases (no rsID available, gnomAD 0.0009%). This variant has not been reported in the literature in individuals affected with REST-related conditions. ClinVar contains an entry for this variant (Variation ID: 1512174). An algorithm developed to predict the effect of missense changes on protein structure and function (PolyPhen-2) suggests that this variant is likely to be tolerated. In summary, the available evidence is currently insufficient to determine the role of this variant in disease. Therefore, it has been classified as a Variant of Uncertain Significance.

Ambry Genetics
Classification: Uncertain significance for Inborn genetic diseases. Last evaluated: 2022-06-24. Review status: criteria provided, single submitter. Criteria: Ambry Variant Classification Scheme 2023. Collection method: clinical testing. Allele origin: germline.

NM_005612.5(REST):c.2483G>A (p.Ser828Asn)

Gene: REST (RE1 silencing transcription factor; plus strand). Cytogenetic location: 4q12.
Variant type: single nucleotide variant.
Coding change: c.2483G>A on transcript NM_005612.5 (MANE Select); coding-DNA position 2483, G replaced by A.
Protein change: p.Ser828Asn; replaces serine 828 with asparagine.
Molecular consequence: missense variant.
Genome position (GRCh38, 1-based): chr4:56,931,341, G>A. VCF-style: chr4-56931341-G-A. GRCh37 (hg19) VCF-style: chr4-57797507-G-A.
Other names: c.2483G>A, p.Ser828Asn (NM_001193508.2, NM_001363453.3); short protein forms S828N.
Identifiers: ClinVar variation 1512174 (VCV001512174.9), dbSNP rs1207371267, ClinGen allele CA357008882.
Genomic context (GRCh38, chr4:56,931,341, plus strand): 5'-AGCCAATTTCCAAAAAGCCTCCTCTCCGAAAAGATAAAAAGGAAAAGTCTAACATGCAGA[G>A]TGAAAGGGCACGGAAGGAGCAAGTCCTTATTGAAGTTGGCTTAGTGCCTGTTAAAGATAG-3'
Protein context (NP_005603.3, residues 818-838): KDKKEKSNMQ[Ser828Asn]ERARKEQVLI